The following is an entry in ClinVar:

NM_207352.4(CYP4V2):c.25G>C (p.Val9Leu)

Genes: CYP4V2 (cytochrome P450 family 4 subfamily V member 2; plus strand), LOC129993526 (ATAC-STARR-seq lymphoblastoid silent region 15858; plus strand). Cytogenetic location: 4q35.1.
Variant type: single nucleotide variant.
Coding change: c.25G>C on transcript NM_207352.4 (MANE Select); coding-DNA position 25, G replaced by C.
Protein change: p.Val9Leu; replaces valine 9 with leucine.
Molecular consequence: missense variant.
Genome position (GRCh38, 1-based): chr4:186,191,848, G>C. VCF-style: chr4-186191848-G-C. GRCh37 (hg19) VCF-style: chr4-187113002-G-C.
Other names: short protein forms V9L.
Identifiers: ClinVar variation 2122888 (VCV002122888.4), dbSNP rs1683463029, ClinGen allele CA358946384.

ClinVar aggregate classification (germline): Uncertain significance (1 of 4 stars; one submission).

Allele frequency attached by ClinVar (database versions not stated): gnomAD exomes 0.00001.
gnomAD v4.1: 14 of 1,577,402 alleles (0.00089%); highest among the groups gnomAD compares: Non-Finnish European, 0.0012%; no homozygotes.

Submission:

Labcorp Genetics (formerly Invitae), Labcorp
Classification: Uncertain significance. Last evaluated: 2023-03-02. Review status: criteria provided, single submitter. Criteria: Invitae Variant Classification Sherloc (09022015). Collection method: clinical testing. Allele origin: germline.
Comment: In summary, the available evidence is currently insufficient to determine the role of this variant in disease. Therefore, it has been classified as a Variant of Uncertain Significance. Algorithms developed to predict the effect of missense changes on protein structure and function output the following: SIFT: "Not Available"; PolyPhen-2: "Not Available"; Align-GVGD: "Not Available". The leucine amino acid residue is found in multiple mammalian species, which suggests that this missense change does not adversely affect protein function. ClinVar contains an entry for this variant (Variation ID: 2122888). This variant has not been reported in the literature in individuals affected with CYP4V2-related conditions. This variant is not present in population databases (gnomAD no frequency). This sequence change replaces valine, which is neutral and non-polar, with leucine, which is neutral and non-polar, at codon 9 of the CYP4V2 protein (p.Val9Leu).